The following is an entry in ClinVar:

NM_001330360.2(POLA1):c.4055T>C (p.Leu1352Ser)

Gene: POLA1 (DNA polymerase alpha 1, catalytic subunit; plus strand). Cytogenetic location: Xp22.11.
Variant type: single nucleotide variant.
Coding change: c.4055T>C on transcript NM_001330360.2 (MANE Select); coding-DNA position 4055, T replaced by C.
Protein change: p.Leu1352Ser; replaces leucine 1352 with serine.
Molecular consequence: missense variant. On other transcripts: non-coding transcript variant (2).
Genome position (GRCh38, 1-based): chrX:24,888,013, T>C. VCF-style: chrX-24888013-T-C. GRCh37 (hg19) VCF-style: chrX-24906130-T-C.
Other names: c.3980T>C, p.Leu1327Ser (NM_001378303.1); c.4055T>C, p.Leu1352Ser (NM_001440806.1); c.4037T>C, p.Leu1346Ser (NM_016937.4); short protein forms L1327S, L1346S, L1352S.
Identifiers: ClinVar variation 4856881 (VCV004856881.2).

ClinVar aggregate classification (germline): Uncertain significance (1 of 4 stars; one submission).

Submission:

Dasa
Classification: Uncertain significance. Last evaluated: 2025-07-06. Review status: criteria provided, single submitter. Criteria: DASA Assertion Criteria. Collection method: clinical testing. Allele origin: germline.
Comment: NM_001330360.2(POLA1):c.4055T>C (p.Leu1352Ser) is a missense variant that results in the substitution of leucine with serine. This variant is absent from population databases. The currently available literature and clinical evidence are not sufficient to establish a definitive association between this variant and the reported condition. Therefore, this variant is classified as a variant of uncertain significance.